The following is an entry in ClinVar:

NM_001364905.1(LRBA):c.3710C>T (p.Ser1237Phe)

Gene: LRBA (LPS responsive beige-like anchor protein; minus strand). Cytogenetic location: 4q31.3.
Variant type: single nucleotide variant.
Coding change: c.3710C>T on transcript NM_001364905.1 (MANE Select); coding-DNA position 3710, C replaced by T.
Protein change: p.Ser1237Phe; replaces serine 1237 with phenylalanine.
Molecular consequence: missense variant.
Genome position (GRCh38, 1-based): chr4:150,852,000, G>A on the plus strand (C>T on the coding strand, the complement: LRBA is on the minus strand). VCF-style: chr4-150852000-G-A. GRCh37 (hg19) VCF-style: chr4-151773152-G-A.
Other names: c.3710C>T, p.Ser1237Phe (NM_001199282.3, NM_001367550.1, NM_006726.5); short protein forms S1237F.
Identifiers: ClinVar variation 940075 (VCV000940075.9), dbSNP rs1750672537, ClinGen allele CA358456455.
Genomic context (GRCh38, chr4:150,852,000, plus strand): 5'-TCCAGCCTCTCAGTATCTGTAGCAACATTGGAAACATCCAACTTCGCAATCTTTTGCTCA[G>A]AAGAAGCCTCAGAGACACTACCATGACAATCATTAATTAATTTGGTTTCTCTAGTGAGGT-3'
Protein context (NP_001351834.1, residues 1227-1247): DCHGSVSEAS[Ser1237Phe]EQKIAKLDVS

ClinVar aggregate classification (germline): Uncertain significance (1 of 4 stars; one submission).

Conditions:
Combined immunodeficiency due to LRBA deficiency. Also called: Common variable immunodeficiency 8, with autoimmunity. Identifiers: Orphanet 445018, MedGen C3553512, MONDO:0013863, OMIM 614700.

Allele frequency attached by ClinVar (database versions not stated): TOPMed below 0.00001.

Submission:

Labcorp Genetics (formerly Invitae), Labcorp
Classification: Uncertain significance for Combined immunodeficiency due to LRBA deficiency. Last evaluated: 2019-09-18. Review status: criteria provided, single submitter. Criteria: Invitae Variant Classification Sherloc (09022015). Collection method: clinical testing. Allele origin: germline.
Comment: In summary, the available evidence is currently insufficient to determine the role of this variant in disease. Therefore, it has been classified as a Variant of Uncertain Significance. Algorithms developed to predict the effect of missense changes on protein structure and function output the following: SIFT: "Tolerated"; PolyPhen-2: "Benign"; Align-GVGD: "Class C0". The phenylalanine amino acid residue is found in multiple mammalian species, suggesting that this missense change does not adversely affect protein function. These predictions have not been confirmed by published functional studies and their clinical significance is uncertain. This variant has not been reported in the literature in individuals with LRBA-related conditions. This variant is not present in population databases (ExAC no frequency). This sequence change replaces serine with phenylalanine at codon 1237 of the LRBA protein (p.Ser1237Phe). The serine residue is weakly conserved and there is a large physicochemical difference between serine and phenylalanine.